The following is an entry in ClinVar:

ClinVar aggregate classification (germline): Pathogenic (1 of 4 stars; one submission).

Conditions:
Intellectual disability-facial dysmorphism syndrome due to SETD5 haploinsufficiency (MRD23). Also called: Intellectual developmental disorder, autosomal dominant 23. Identifiers: Orphanet 404440, MedGen C3810406, MONDO:0014336, OMIM 615761.

Submission:

3billion
Classification: Pathogenic for Intellectual disability-facial dysmorphism syndrome due to SETD5 haploinsufficiency. Last evaluated: 2026-03-21. Review status: criteria provided, single submitter. Criteria: ACMG Guidelines, 2015. Collection method: clinical testing. Allele origin: de novo. Inheritance: Autosomal dominant inheritance. Affected: yes.
Comment: The variant is not observed in the gnomAD v3.1.2 dataset. The variant is predicted to result in a loss or disruption of normal protein function through nonsense-mediated decay (NMD) or protein truncation. Multiple pathogenic variants are reported downstream of the variant. The variant has been confirmed to be de novo in maternity and paternity confirmed samples. Therefore, the variant was classified as pathogenic.

NM_001080517.3(SETD5):c.1566_1567insA (p.Glu523fs)

Gene: SETD5 (SET domain containing 5; plus strand). Cytogenetic location: 3p25.3.
Variant type: Insertion.
Coding change: c.1566_1567insA on transcript NM_001080517.3 (MANE Select); coding-DNA positions 1566 to 1567, A inserted.
Protein change: p.Glu523fs; shifts the reading frame from glutamic acid 523.
Molecular consequence: frameshift variant.
Genome position: GRCh38 VCF-style: chr3-9447091-T-TA. GRCh37 (hg19) VCF-style: chr3-9488775-T-TA.
Other names: c.1272_1273insA, p.Glu425fs (NM_001292043.2, NM_001349451.2); c.1662_1663insA, p.Glu555fs (NM_001437633.1); c.1623_1624insA, p.Glu542fs (NM_001437635.1); c.1566_1567insA, p.Glu523fs (NM_001437643.1); c.1605_1606insA, p.Glu536fs (NM_001437701.1); short protein forms E425fs, E523fs, E536fs, E542fs, E555fs.
Identifiers: ClinVar variation 4813979 (VCV004813979.1).